The following is an entry in ClinVar:

ClinVar aggregate classification (germline): Uncertain significance. Review status: criteria provided, multiple submitters, no conflicts (2 of 4 stars). 2 submissions from 2 submitters: Uncertain significance (2). Last evaluated 2025-05-21.

Conditions:
Inborn genetic diseases. Identifiers: MedGen C0950123, MeSH D030342.
Benign neonatal seizures. Also called: Convulsions benign familial neonatal dominant form; Autosomal dominant form of benign neonatal seizures; Benign neonatal familial convulsions; Benign familial neonatal epilepsy; Benign familial neonatal seizures. Identifiers: Orphanet 1949, MedGen C0220669, MONDO:0016027.

Allele frequency attached by ClinVar (database versions not stated): gnomAD exomes below 0.00001; ExAC 0.00001; ESP Exome Variant Server 0.00008.
gnomAD v4.1: 15 of 1,614,200 alleles (0.00093%); highest among the groups gnomAD compares: Non-Finnish European, 0.0013%; no homozygotes.

Submissions (2):

Labcorp Genetics (formerly Invitae), Labcorp
Classification: Uncertain significance for Benign neonatal seizures. Last evaluated: 2025-05-21. Review status: criteria provided, single submitter. Criteria: Invitae Variant Classification Sherloc (09022015). Collection method: clinical testing. Allele origin: germline.
Comment: This sequence change replaces serine, which is neutral and polar, with leucine, which is neutral and non-polar, at codon 794 of the KCNQ3 protein (p.Ser794Leu). This variant is present in population databases (rs267601778, gnomAD 0.0009%). This variant has not been reported in the literature in individuals affected with KCNQ3-related conditions. ClinVar contains an entry for this variant (Variation ID: 77175). Invitae Evidence Modeling of protein sequence and biophysical properties (such as structural, functional, and spatial information, amino acid conservation, physicochemical variation, residue mobility, and thermodynamic stability) has been performed for this missense variant. However, the output from this modeling did not meet the statistical confidence thresholds required to predict the impact of this variant on KCNQ3 protein function. In summary, the available evidence is currently insufficient to determine the role of this variant in disease. Therefore, it has been classified as a Variant of Uncertain Significance.

Ambry Genetics
Classification: Uncertain significance for Inborn genetic diseases. Last evaluated: 2016-06-16. Review status: criteria provided, single submitter. Criteria: Ambry Variant Classification Scheme 2023. Collection method: clinical testing. Allele origin: germline.
Comment: The p.S794L variant (also known as c.2381C>T), located in coding exon 15 of the KCNQ3 gene, results from a C to T substitution at nucleotide position 2381. The serine at codon 794 is replaced by leucine, an amino acid with dissimilar properties. Based on data from the NHLBI Exome Sequencing Project (ESP), the T allele has an overall frequency of approximately 0.01% (1/13006) total alleles studied and 0.01% (1/8600) European American alleles. This amino acid position is highly conserved in available vertebrate species. In addition, this alteration is predicted to be deleterious by in silico analysis. Since supporting evidence is limited at this time, the clinical significance of this variant remains unclear.

NM_004519.4(KCNQ3):c.2381C>T (p.Ser794Leu)

Gene: KCNQ3 (potassium voltage-gated channel subfamily Q member 3; minus strand). Cytogenetic location: 8q24.22.
Variant type: single nucleotide variant.
Coding change: c.2381C>T on transcript NM_004519.4 (MANE Select); coding-DNA position 2381, C replaced by T.
Protein change: p.Ser794Leu; replaces serine 794 with leucine.
Molecular consequence: missense variant.
Genome position (GRCh38, 1-based): chr8:132,129,500, G>A on the plus strand (C>T on the coding strand, the complement: KCNQ3 is on the minus strand). VCF-style: chr8-132129500-G-A. GRCh37 (hg19) VCF-style: chr8-133141747-G-A.
Other names: c.2021C>T, p.Ser674Leu (NM_001204824.2); short protein forms S794L, S674L.
Identifiers: ClinVar variation 77175 (VCV000077175.14), dbSNP rs267601778, ClinGen allele CA4880451.